The following is an entry in ClinVar:

NM_006648.4(WNK2):c.4001C>T (p.Pro1334Leu)

Gene: WNK2 (WNK lysine deficient protein kinase 2; plus strand). Cytogenetic location: 9q22.31.
Variant type: single nucleotide variant.
Coding change: c.4001C>T on transcript NM_006648.4 (MANE Select); coding-DNA position 4001, C replaced by T.
Protein change: p.Pro1334Leu; replaces proline 1334 with leucine.
Molecular consequence: missense variant.
Genome position (GRCh38, 1-based): chr9:93,268,714, C>T. VCF-style: chr9-93268714-C-T. GRCh37 (hg19) VCF-style: chr9-96030996-C-T.
Other names: c.4001C>T, p.Pro1334Leu (NM_001282394.3); short protein forms P1334L.
Identifiers: ClinVar variation 3470678 (VCV003470678.1).

ClinVar aggregate classification (germline): Uncertain significance (1 of 4 stars; one submission).

gnomAD v4.1: 2 of 1,613,304 alleles (0.00012%); highest among the groups gnomAD compares: Non-Finnish European, 0.00017%; no homozygotes.

Submission:

Ambry Genetics
Classification: Uncertain significance. Last evaluated: 2024-12-08. Review status: criteria provided, single submitter. Criteria: Ambry Variant Classification Scheme 2023. Collection method: clinical testing. Allele origin: germline.
Comment: The p.P1334L variant (also known as c.4001C>T), located in coding exon 18 of the WNK2 gene, results from a C to T substitution at nucleotide position 4001. The proline at codon 1334 is replaced by leucine, an amino acid with similar properties. This amino acid position is conserved. In addition, this alteration is predicted to be tolerated by in silico analysis. Based on the available evidence, the clinical significance of this variant remains unclear.